The following is an entry in ClinVar:

ClinVar aggregate classification (germline): Pathogenic. Review status: criteria provided, multiple submitters, no conflicts (2 of 4 stars). 3 submissions from 3 submitters: Pathogenic (3). Last evaluated 2023-12-26.

Conditions:
Familial adenomatous polyposis 4 (FAP4). Also called: MSH3-related attenuated familial adenomatous polyposis. Identifiers: Orphanet 480536, MedGen C4310719, MONDO:0044300, OMIM 617100.
Hereditary cancer-predisposing syndrome. Also called: Neoplastic Syndromes, Hereditary; Tumor predisposition; Hereditary Cancer Syndrome; Hereditary neoplastic syndrome. Identifiers: Orphanet 140162, MedGen C0027672, MeSH D009386, MONDO:0015356.

Submissions (3):

Labcorp Genetics (formerly Invitae), Labcorp
Classification: Pathogenic. Last evaluated: 2023-12-26. Review status: criteria provided, single submitter. Criteria: Invitae Variant Classification Sherloc (09022015). Collection method: clinical testing. Allele origin: germline.
Comment: This sequence change creates a premature translational stop signal (p.Leu560Cysfs*5) in the MSH3 gene. It is expected to result in an absent or disrupted protein product. Loss-of-function variants in MSH3 are known to be pathogenic (PMID: 27476653, 37402566). This variant is present in population databases (no rsID available, gnomAD 0.007%). This variant has not been reported in the literature in individuals affected with MSH3-related conditions. ClinVar contains an entry for this variant (Variation ID: 1777852). For these reasons, this variant has been classified as Pathogenic.

Myriad Genetics, Inc.
Classification: Pathogenic for Familial adenomatous polyposis 4. Last evaluated: 2023-08-30. Review status: criteria provided, single submitter. Criteria: Myriad Autosomal Dominant, Autosomal Recessive and X-Linked Classification Criteria (2023). Collection method: clinical testing. Allele origin: unknown.
Comment: This variant is considered pathogenic. This variant creates a frameshift predicted to result in premature protein truncation.

Ambry Genetics
Classification: Pathogenic for Hereditary cancer-predisposing syndrome. Last evaluated: 2021-09-03. Review status: criteria provided, single submitter. Criteria: Ambry Variant Classification Scheme 2023. Collection method: clinical testing. Allele origin: germline.
Comment: The c.1679delT pathogenic mutation, located in coding exon 12 of the MSH3 gene, results from a deletion of one nucleotide at nucleotide position 1679, causing a translational frameshift with a predicted alternate stop codon (p.L560Cfs*5). This alteration is expected to result in loss of function by premature protein truncation or nonsense-mediated mRNA decay. As such, this alteration is interpreted as a disease-causing mutation.

Literature cited by the submitters: PubMed 27476653 (cited by Labcorp Genetics (formerly Invitae), Labcorp); PubMed 37402566 (cited by Labcorp Genetics (formerly Invitae), Labcorp).

NM_002439.5(MSH3):c.1679del (p.Leu560fs)

Gene: MSH3 (mutS homolog 3; plus strand). Cytogenetic location: 5q14.1.
Variant type: Deletion.
Coding change: c.1679del on transcript NM_002439.5 (MANE Select); coding-DNA position 1679, one base deleted (T; older notation c.1679delT).
Protein change: p.Leu560fs; shifts the reading frame from leucine 560.
Molecular consequence: frameshift variant.
Genome position (GRCh38, 1-based): chr5:80,744,531, T deleted; the last of 3 consecutive T bases (chr5:80,744,529-80,744,531); deleting any one gives the same sequence. VCF-style (leftmost placement, unchanged base first): chr5-80744528-GT-G. GRCh37 (hg19) VCF-style: chr5-80040347-GT-G.
Other names: short protein forms L560fs.
Identifiers: ClinVar variation 1777852 (VCV001777852.6), dbSNP rs1452382399, ClinGen allele CA560563441.